The following is an entry in ClinVar:

NM_002739.5(PRKCG):c.1103C>T (p.Ala368Val)

Gene: PRKCG (protein kinase C gamma; plus strand). Cytogenetic location: 19q13.42.
Variant type: single nucleotide variant.
Coding change: c.1103C>T on transcript NM_002739.5 (MANE Select); coding-DNA position 1103, C replaced by T.
Protein change: p.Ala368Val; replaces alanine 368 with valine.
Molecular consequence: missense variant.
Genome position (GRCh38, 1-based): chr19:53,898,450, C>T. VCF-style: chr19-53898450-C-T. GRCh37 (hg19) VCF-style: chr19-54401704-C-T.
Other names: c.1103C>T, p.Ala368Val (NM_001316329.2); short protein forms A368V.
Identifiers: ClinVar variation 2507049 (VCV002507049.1), dbSNP rs2514568881, ClinGen allele CA407417776.

ClinVar aggregate classification (germline): Uncertain significance (1 of 4 stars; one submission).

Submission:

GeneDx
Classification: Uncertain significance. Last evaluated: 2023-01-03. Review status: criteria provided, single submitter. Criteria: GeneDx Variant Classification Process June 2021. Collection method: clinical testing. Allele origin: germline. Affected: yes.
Comment: Not observed at significant frequency in large population cohorts (gnomAD); In silico analysis supports that this missense variant has a deleterious effect on protein structure/function; Has not been previously published as pathogenic or benign to our knowledge